The following is an entry in ClinVar:

NM_001377.3(DYNC2H1):c.1717G>A (p.Val573Met)

Gene: DYNC2H1 (dynein cytoplasmic 2 heavy chain 1; plus strand). Cytogenetic location: 11q22.3.
Variant type: single nucleotide variant.
Coding change: c.1717G>A on transcript NM_001377.3 (MANE Select); coding-DNA position 1717, G replaced by A.
Protein change: p.Val573Met; replaces valine 573 with methionine.
Molecular consequence: missense variant.
Genome position (GRCh38, 1-based): chr11:103,125,155, G>A. VCF-style: chr11-103125155-G-A. GRCh37 (hg19) VCF-style: chr11-102995884-G-A.
Other names: c.1717G>A, p.Val573Met (NM_001080463.2); short protein forms V573M.
Identifiers: ClinVar variation 4882635 (VCV004882635.2).

ClinVar aggregate classification (germline): Uncertain significance (1 of 4 stars; one submission).

Conditions:
Asphyxiating thoracic dystrophy 3. Also called: SHORT-RIB THORACIC DYSPLASIA 3 WITH OR WITHOUT POLYDACTYLY; POLYDACTYLY WITH NEONATAL CHONDRODYSTROPHY, TYPE I; SHORT-RIB THORACIC DYSPLASIA 3/6 WITH POLYDACTYLY, DIGENIC; Short rib polydactyly syndrome 2B; Saldino-Noonan Syndrome. Identifiers: Orphanet 474, Orphanet 93269, Orphanet 93270, Orphanet 93271, MedGen C0036069, MONDO:0013127, OMIM 613091.

gnomAD v4.1: 14 of 1,613,308 alleles (0.00087%); highest among the groups gnomAD compares: African/African-American, 0.0013%; no homozygotes.

Submission:

Dasa
Classification: Uncertain significance for Asphyxiating thoracic dystrophy 3. Last evaluated: 2025-11-02. Review status: criteria provided, single submitter. Criteria: DASA Assertion Criteria. Collection method: clinical testing. Allele origin: germline.
Comment: NM_001377.3(DYNC2H1):c.1717G>A (p.Val573Met) is a missense variant that results in the substitution of valine with methionine. This variant is rare in population databases. The currently available literature and clinical evidence are not sufficient to establish a definitive association between this variant and the reported condition. Therefore, this variant is classified as a variant of uncertain significance.